The following is an entry in ClinVar:

NM_001429.4(EP300):c.2854T>C (p.Ser952Pro)

Genes: EP300 (EP300 lysine acetyltransferase; plus strand), LOC126863158 (BRD4-independent group 4 enhancer GRCh37_chr22:41547383-41548582; plus strand). Cytogenetic location: 22q13.2.
Variant type: single nucleotide variant.
Coding change: c.2854T>C on transcript NM_001429.4 (MANE Select); coding-DNA position 2854, T replaced by C.
Protein change: p.Ser952Pro; replaces serine 952 with proline.
Molecular consequence: missense variant.
Genome position (GRCh38, 1-based): chr22:41,151,869, T>C. VCF-style: chr22-41151869-T-C. GRCh37 (hg19) VCF-style: chr22-41547873-T-C.
Other names: c.2776T>C, p.Ser926Pro (NM_001362843.2); short protein forms S952P, S926P.
Identifiers: ClinVar variation 4986056 (VCV004986056.1).
Genomic context (GRCh38, chr22:41,151,869, plus strand): 5'-TACTTCCCTTTTTTTTCTGCCCAGCTTTCCCAGCCAGCTGTAAGCATTGAAGGACAGGTA[T>C]CAAATCCTCCATCTACTAGTAGCACAGAAGTGAATTCTCAGGCCATTGCTGAGAAGCAGC-3'
Protein context (NP_001420.2, residues 942-962): QPAVSIEGQV[Ser952Pro]NPPSTSSTEV

ClinVar aggregate classification (germline): Uncertain significance (1 of 4 stars; one submission).

Conditions:
EP300-related disorder. Also called: EP300-related condition; EP300-related disorders.

gnomAD v4.1: 6 of 1,614,148 alleles (0.00037%); highest among the groups gnomAD compares: Admixed American, 0.0083%; no homozygotes.

Submission:

PreventionGenetics, part of Exact Sciences
Classification: Uncertain significance for EP300-related condition. Last evaluated: 2025-05-20. Review status: criteria provided, single submitter. Criteria: ACMG Guidelines, 2015. Collection method: clinical testing. Allele origin: germline.
Comment: The EP300 c.2854T>C variant is predicted to result in the amino acid substitution p.Ser952Pro. To our knowledge, this variant has not been reported in the literature. This variant is reported in 0.0029% of alleles in individuals of Latino descent in gnomAD. At this time, the clinical significance of this variant is uncertain due to the absence of conclusive functional and genetic evidence.